The following is an entry in ClinVar:

ClinVar aggregate classification (germline): Conflicting classifications of pathogenicity. Review status: criteria provided, conflicting classifications (1 of 4 stars). 2 submissions from 2 submitters: Uncertain significance (1); Likely benign (1). Last evaluated 2019-12-31.

Allele frequency attached by ClinVar (database versions not stated): gnomAD 0.00029; 1000 Genomes Project 30x 0.00031; 1000 Genomes Project 0.00040; TOPMed 0.00061; ESP Exome Variant Server 0.00085; gnomAD exomes 0.00093; ExAC 0.00096.
gnomAD v4.1: 1,195 of 1,614,164 alleles (0.074%); highest among the groups gnomAD compares: South Asian, 0.4%; 4 homozygotes.

Submissions (2):

Labcorp Genetics (formerly Invitae), Labcorp
Classification: Likely benign. Last evaluated: 2019-12-31. Review status: criteria provided, single submitter. Criteria: Invitae Variant Classification Sherloc (09022015). Collection method: clinical testing. Allele origin: germline.

Center for Pediatric Genomic Medicine, Children's Mercy Hospital and Clinics
Classification: Uncertain significance. Last evaluated: 2016-10-31. Review status: criteria provided, single submitter. Criteria: ACMG Guidelines, 2015. Collection method: clinical testing. Allele origin: germline.
ClinVar note: Converted during submission from Uncertain Significance to Uncertain significance.

NM_014026.6(DCPS):c.791G>A (p.Arg264Gln)

Genes: DCPS (decapping enzyme, scavenger; plus strand), GSEC (G-quadruplex forming sequence containing lncRNA; minus strand). Cytogenetic location: 11q24.2.
Variant type: single nucleotide variant.
Coding change: c.791G>A on transcript NM_014026.6 (MANE Select); coding-DNA position 791, G replaced by A.
Protein change: p.Arg264Gln; replaces arginine 264 with glutamine.
Molecular consequence: missense variant.
Genome position (GRCh38, 1-based): chr11:126,345,390, G>A. VCF-style: chr11-126345390-G-A. GRCh37 (hg19) VCF-style: chr11-126215285-G-A.
Other names: c.812G>A, p.Arg271Gln (NM_001350236.2); short protein forms R264Q, R271Q.
Identifiers: ClinVar variation 377334 (VCV000377334.8), dbSNP rs140377449, ClinGen allele CA6355161.